The following is an entry in ClinVar:

ClinVar aggregate classification (germline): Pathogenic (1 of 4 stars; one submission).

Submission:

Labcorp Genetics (formerly Invitae), Labcorp
Classification: Pathogenic. Last evaluated: 2023-10-03. Review status: criteria provided, single submitter. Criteria: Invitae Variant Classification Sherloc (09022015). Collection method: clinical testing. Allele origin: germline.
Comment: This variant is a gross deletion of the genomic region encompassing exon(s) 8-11 of the DARS2 gene. This variant would be expected to be in-frame, preserving the integrity of the reading frame. A similar copy number variant has been observed in individuals with clinical features of DARS2-related leukoencephalopathy (Invitae). This variant disrupts a region of the DARS2 protein in which other variant(s) (p.Gly254Ser) have been determined to be pathogenic (PMID: 24566671; Invitae). This suggests that this is a clinically significant region of the protein, and that variants that disrupt it are likely to be disease-causing. For these reasons, this variant has been classified as Pathogenic.

Literature cited by the submitters: PubMed 24566671.

NC_000001.10:g.(?_173806058)_(173810131_?)del

Gene: DARS2 (aspartyl-tRNA synthetase 2, mitochondrial; plus strand). Cytogenetic location: 1q25.1.
Variant type: Deletion.
Identifiers: ClinVar variation 2426446 (VCV002426446.4).